The following is an entry in ClinVar:

ClinVar aggregate classification (germline): Uncertain significance. Review status: criteria provided, multiple submitters, no conflicts (2 of 4 stars). 2 submissions from 2 submitters: Uncertain significance (2). Last evaluated 2025-10-20.

Conditions:
Hereditary nonpolyposis colorectal neoplasms. Identifiers: MedGen C0009405, MeSH D003123.
Hereditary cancer-predisposing syndrome. Also called: Neoplastic Syndromes, Hereditary; Tumor predisposition; Hereditary Cancer Syndrome; Hereditary neoplastic syndrome. Identifiers: Orphanet 140162, MedGen C0027672, MeSH D009386, MONDO:0015356.

Allele frequency attached by ClinVar (database versions not stated): TOPMed below 0.00001; gnomAD 0.00001.
gnomAD v4.1: 1 of 1,614,056 alleles (0.000062%); highest among the groups gnomAD compares: Non-Finnish European, 0.000085%; no homozygotes.

Submissions (2):

Ambry Genetics
Classification: Uncertain significance for Hereditary cancer-predisposing syndrome. Last evaluated: 2025-10-20. Review status: criteria provided, single submitter. Criteria: Ambry Variant Classification Scheme 2023. Collection method: clinical testing. Allele origin: germline.
Comment: The p.I417T variant (also known as c.1250T>C), located in coding exon 11 of the PMS2 gene, results from a T to C substitution at nucleotide position 1250. The isoleucine at codon 417 is replaced by threonine, an amino acid with similar properties. This amino acid position is conserved. In addition, this alteration is predicted to be tolerated by in silico analysis. Based on the available evidence, the clinical significance of this variant remains unclear.

Labcorp Genetics (formerly Invitae), Labcorp
Classification: Uncertain significance for Hereditary nonpolyposis colorectal neoplasms. Last evaluated: 2018-11-21. Review status: criteria provided, single submitter. Criteria: Invitae Variant Classification Sherloc (09022015). Collection method: clinical testing. Allele origin: germline.
Comment: This variant has not been reported in the literature in individuals with PMS2-related disease. This variant is not present in population databases (ExAC no frequency). This sequence change replaces isoleucine with threonine at codon 417 of the PMS2 protein (p.Ile417Thr). The isoleucine residue is weakly conserved and there is a moderate physicochemical difference between isoleucine and threonine. Algorithms developed to predict the effect of missense changes on protein structure and function (SIFT, PolyPhen-2, Align-GVGD) all suggest that this variant is likely to be tolerated, but these predictions have not been confirmed by published functional studies and their clinical significance is uncertain. In summary, the available evidence is currently insufficient to determine the role of this variant in disease. Therefore, it has been classified as a Variant of Uncertain Significance.

NM_000535.7(PMS2):c.1250T>C (p.Ile417Thr)

Gene: PMS2 (PMS1 homolog 2, mismatch repair system component; minus strand). Cytogenetic location: 7p22.1.
Variant type: single nucleotide variant.
Coding change: c.1250T>C on transcript NM_000535.7 (MANE Select); coding-DNA position 1250, T replaced by C.
Protein change: p.Ile417Thr; replaces isoleucine 417 with threonine.
Molecular consequence: missense variant. On other transcripts: non-coding transcript variant (1).
Genome position (GRCh38, 1-based): chr7:5,987,515, A>G on the plus strand (T>C on the coding strand, the complement: PMS2 is on the minus strand). VCF-style: chr7-5987515-A-G. GRCh37 (hg19) VCF-style: chr7-6027146-A-G.
Other names: c.845T>C, p.Ile282Thr (NM_001322003.2, NM_001322004.2, NM_001322005.2 and 1 more transcripts); c.1094T>C, p.Ile365Thr (NM_001322006.2); c.932T>C, p.Ile311Thr (NM_001322007.2, NM_001322008.2); c.689T>C, p.Ile230Thr (NM_001322010.2); c.317T>C, p.Ile106Thr (NM_001322011.2, NM_001322012.2); c.677T>C, p.Ile226Thr (NM_001322013.2); c.1250T>C, p.Ile417Thr (NM_001322014.2); c.941T>C, p.Ile314Thr (NM_001322015.2); short protein forms I311T, I106T, I230T, I282T, I314T, I365T, I417T, I226T.
Identifiers: ClinVar variation 639937 (VCV000639937.11), dbSNP rs1451465095, ClinGen allele CA366742480.